The following is an entry in ClinVar:

ClinVar aggregate classification (germline): Likely benign (0 of 4 stars; one submission).

Conditions:
KIF1B-related disorder. Also called: KIF1B-related condition.

Allele frequency attached by ClinVar (database versions not stated): gnomAD exomes below 0.00001; TOPMed 0.00002.
gnomAD v4.1: 3 of 1,614,084 alleles (0.00019%); highest among the groups gnomAD compares: Admixed American, 0.0017%; no homozygotes.

Submission:

PreventionGenetics, part of Exact Sciences
Classification: Likely benign for KIF1B-related condition. Last evaluated: 2022-09-09. Review status: no assertion criteria provided. Collection method: clinical testing. Allele origin: germline.
Comment: This variant is classified as likely benign based on ACMG/AMP sequence variant interpretation guidelines (Richards et al. 2015 PMID: 25741868, with internal and published modifications).

NM_001365951.3(KIF1B):c.1256A>G (p.Tyr419Cys)

Gene: KIF1B (kinesin family member 1B; plus strand). Cytogenetic location: 1p36.22.
Variant type: single nucleotide variant.
Coding change: c.1256A>G on transcript NM_001365951.3 (MANE Select); coding-DNA position 1256, A replaced by G.
Protein change: p.Tyr419Cys; replaces tyrosine 419 with cysteine.
Molecular consequence: missense variant. On other transcripts: intron variant (3).
Genome position (GRCh38, 1-based): chr1:10,282,355, A>G. VCF-style: chr1-10282355-A-G. GRCh37 (hg19) VCF-style: chr1-10342413-A-G.
Other names: c.1256A>G, p.Tyr419Cys (NM_001365952.1); c.1163-45A>G (NM_183416.4, NM_015074.3, NM_001365953.1); short protein forms Y419C.
Identifiers: ClinVar variation 3061522 (VCV003061522.2), dbSNP rs759109704, ClinGen allele CA17841902.
Genomic context (GRCh38, chr1:10,282,355, plus strand): 5'-CTGCCTTCTCTTCTTTCTATCTCCCAGATCTGAAAGATTTTCAGAACAATAAGCATAGAT[A>G]CTTGCTAGCCTCTGAGAATCAACGCCCTGGCCATTTTTCCACAGCATCCATGGGGTCCCT-3'
Protein context (NP_001352880.1, residues 409-429): LKDFQNNKHR[Tyr419Cys]LLASENQRPG